The following is an entry in ClinVar:

ClinVar aggregate classification (germline): Uncertain significance (1 of 4 stars; one submission).

Allele frequency attached by ClinVar (database versions not stated): TOPMed 0.00001.
gnomAD v4.1: 1 of 1,608,500 alleles (0.000062%); highest among the groups gnomAD compares: East Asian, 0.0022%; no homozygotes.

Submission:

Ambry Genetics
Classification: Uncertain significance. Last evaluated: 2023-08-30. Review status: criteria provided, single submitter. Criteria: Ambry Variant Classification Scheme 2023. Collection method: clinical testing. Allele origin: germline.
Comment: The p.H83R variant (also known as c.248A>G), located in coding exon 4 of the BUB1 gene, results from an A to G substitution at nucleotide position 248. The histidine at codon 83 is replaced by arginine, an amino acid with highly similar properties. This amino acid position is conserved. In addition, this alteration is predicted to be tolerated by in silico analysis. Since supporting evidence is limited at this time, the clinical significance of this alteration remains unclear.

NM_004336.5(BUB1):c.248A>G (p.His83Arg)

Gene: BUB1 (BUB1 mitotic checkpoint serine/threonine kinase; minus strand). Cytogenetic location: 2q13.
Variant type: single nucleotide variant.
Coding change: c.248A>G on transcript NM_004336.5 (MANE Select); coding-DNA position 248, A replaced by G.
Protein change: p.His83Arg; replaces histidine 83 with arginine.
Molecular consequence: missense variant.
Genome position (GRCh38, 1-based): chr2:110,672,835, T>C on the plus strand (A>G on the coding strand, the complement: BUB1 is on the minus strand). VCF-style: chr2-110672835-T-C. GRCh37 (hg19) VCF-style: chr2-111430412-T-C.
Other names: c.188A>G, p.His63Arg (NM_001278616.2); c.248A>G, p.His83Arg (NM_001278617.2); short protein forms H63R, H83R.
Identifiers: ClinVar variation 2586165 (VCV002586165.2), dbSNP rs1559175863, ClinGen allele CA348220708.
Genomic context (GRCh38, chr2:110,672,835, plus strand): 5'-ATGTACAGAGGGGATGACAGGGTTCCAATCCCATGGTTGTACAGAAACTCAAAAAATTGA[T>C]GGAGGTCACTGTTGTACTCAGCCTACACGAACCCAAAACAAAAAGACATAAGAATAATGG-3'
Protein context (NP_004327.1, residues 73-93): LKFAEYNSDL[His83Arg]QFFEFLYNHG